The following is an entry in ClinVar:

NM_001267550.2(TTN):c.95983G>A (p.Glu31995Lys)

Genes: TTN (titin; minus strand), TTN-AS1 (TTN antisense RNA 1; plus strand). Cytogenetic location: 2q31.2.
Variant type: single nucleotide variant.
Coding change: c.95983G>A on transcript NM_001267550.2 (MANE Select); coding-DNA position 95983, G replaced by A.
Protein change: p.Glu31995Lys; replaces glutamic acid 31995 with lysine.
Molecular consequence: missense variant.
Genome position (GRCh38, 1-based): chr2:178,544,246, C>T on the plus strand (G>A on the coding strand, the complement: TTN is on the minus strand). VCF-style: chr2-178544246-C-T. GRCh37 (hg19) VCF-style: chr2-179408973-C-T.
Other names: c.95983G>A (NM_001267550.1); c.91060G>A, p.Glu30354Lys (NM_001256850.1); c.68788G>A, p.Glu22930Lys (NM_003319.4); c.88279G>A, p.Glu29427Lys (NM_133378.4); c.69163G>A, p.Glu23055Lys (NM_133432.3); c.69364G>A, p.Glu23122Lys (NM_133437.4); short protein forms E31995K, E22930K, E23122K, E23055K, E29427K, E30354K.
Identifiers: ClinVar variation 535586 (VCV000535586.37), dbSNP rs776682000, ClinGen allele CA1986845.

ClinVar aggregate classification (germline): Conflicting classifications of pathogenicity. Review status: criteria provided, conflicting classifications (1 of 4 stars). 7 submissions from 7 submitters: Uncertain significance (6); Likely benign (1). Last evaluated 2026-05-19.

Conditions:
Cardiomyopathy (CMYO). Also called: Cardiomyopathies. Identifiers: Orphanet 167848, MedGen C0878544, MONDO:0004994, HP:0001638. Inheritance: Various modes of inheritance.
Cardiovascular phenotype. Identifiers: MedGen CN230736.
Dilated cardiomyopathy 1G (CMD1G). Identifiers: Orphanet 154, MedGen C1858763, MONDO:0011400, OMIM 604145.
Autosomal recessive limb-girdle muscular dystrophy type 2J (LGMDR10). Also called: Limb-girdle muscular dystrophy, type 2J; MUSCULAR DYSTROPHY, LIMB-GIRDLE, AUTOSOMAL RECESSIVE 10. Identifiers: Orphanet 140922, MedGen C1837342, MONDO:0012127, OMIM 608807.

Allele frequency attached by ClinVar (database versions not stated): ExAC 0.00001; gnomAD 0.00001; TOPMed 0.00001; gnomAD exomes 0.00002.
gnomAD v4.1: 27 of 1,613,614 alleles (0.0017%); highest among the groups gnomAD compares: South Asian, 0.011%; no homozygotes.

Submissions (7):

GeneDx
Classification: Uncertain significance. Last evaluated: 2026-05-19. Review status: criteria provided, single submitter. Criteria: GeneDx Variant Classification Process June 2021. Collection method: clinical testing. Allele origin: germline.
Comment: Has not been previously published as pathogenic or benign to our knowledge; Not observed at significant frequency in large population cohorts (gnomAD); In silico analysis suggests this variant may impact gene splicing. In the absence of RNA/functional studies, the actual effect of this sequence change is unknown.

Molecular Diagnostic Laboratory for Inherited Cardiovascular Disease, Montreal Heart Institute
Classification: Likely benign. Last evaluated: 2025-04-09. Review status: criteria provided, single submitter. Criteria: ACMG Guidelines, 2015. Collection method: clinical testing. Allele origin: germline. Affected: no.

CeGaT Center for Human Genetics Tuebingen
Classification: Uncertain significance. Last evaluated: 2022-09-01. Review status: criteria provided, single submitter. Criteria: CeGaT Center For Human Genetics Tuebingen Variant Classification Criteria Version 2. Collection method: clinical testing. Allele origin: germline. Affected: yes. Observed: 1 variant allele.
Comment: TTN: PM2

Revvity Omics, Revvity
Classification: Uncertain significance. Last evaluated: 2022-02-18. Review status: criteria provided, single submitter. Criteria: ACMG Guidelines, 2015. Collection method: clinical testing. Allele origin: germline.

Ambry Genetics
Classification: Uncertain significance for Cardiovascular phenotype. Last evaluated: 2019-10-02. Review status: criteria provided, single submitter. Criteria: Ambry Variant Classification Scheme 2023. Collection method: clinical testing. Allele origin: germline.
Comment: The p.E22930K variant (also known as c.68788G>A), located in coding exon 172 of the TTN gene, results from a G to A substitution at nucleotide position 68788. The glutamic acid at codon 22930 is replaced by lysine, an amino acid with similar properties. This amino acid position is well conserved in available vertebrate species. In addition, this alteration is predicted to be tolerated by in silico analysis. Since supporting evidence is limited at this time, the clinical significance of this alteration remains unclear.

CHEO Genetics Diagnostic Laboratory, Children's Hospital of Eastern Ontario
Classification: Uncertain significance for Cardiomyopathy. Last evaluated: 2018-03-29. Review status: criteria provided, single submitter. Criteria: ACMG Guidelines, 2015. Collection method: clinical testing. Allele origin: germline.

Labcorp Genetics (formerly Invitae), Labcorp
Classification: Uncertain significance for Dilated cardiomyopathy 1G; Autosomal recessive limb-girdle muscular dystrophy type 2J. Last evaluated: 2017-10-27. Review status: criteria provided, single submitter. Criteria: Invitae Variant Classification Sherloc (09022015). Collection method: clinical testing. Allele origin: germline.